The following is an entry in ClinVar:

NM_000179.3(MSH6):c.3417C>A (p.Gly1139=)

Gene: MSH6 (mutS homolog 6; plus strand). Cytogenetic location: 2p16.3.
Variant type: single nucleotide variant.
Coding change: c.3417C>A on transcript NM_000179.3 (MANE Select); coding-DNA position 3417, C replaced by A.
Protein change: p.Gly1139=; no amino-acid change (glycine 1139 retained).
Molecular consequence: synonymous variant.
Genome position (GRCh38, 1-based): chr2:47,803,664, C>A. VCF-style: chr2-47803664-C-A. GRCh37 (hg19) VCF-style: chr2-48030803-C-A.
Other names: c.3417C>A (NM_000179.2); c.3027C>A, p.Gly1009= (NM_001281492.2); c.2511C>A, p.Gly837= (NM_001281493.2, NM_001281494.2).
Identifiers: ClinVar variation 1125038 (VCV001125038.11), dbSNP rs876660283, ClinGen allele CA346758920.
Genomic context (GRCh38, chr2:47,803,664, plus strand): 5'-AGAGGAGCAGGAAAATGGCAAAGCCTATTGTGTGCTTGTTACTGGACCAAATATGGGGGG[C>A]AAGTCTACGCTTATGAGACAGGTAACTGATTCTTAAAGTTTTGTTATCAGAAAGTCATTT-3'
Protein context (NP_000170.1, residues 1129-1149): CVLVTGPNMG[Gly1139=]KSTLMRQAGL

ClinVar aggregate classification (germline): Benign/Likely benign. Review status: criteria provided, multiple submitters, no conflicts (2 of 4 stars). 3 submissions from 3 submitters: Benign (1); Likely benign (2). Last evaluated 2025-10-31.

Conditions:
Lynch syndrome 5 (LYNCH5). Also called: Colorectal cancer, hereditary nonpolyposis, type 5; Hereditary non-polyposis colorectal cancer, type 5. Identifiers: Orphanet 144, MedGen C1833477, MONDO:0013710, OMIM 614350. Disease mechanism: loss of function.
Hereditary nonpolyposis colorectal neoplasms. Identifiers: MedGen C0009405, MeSH D003123.
Hereditary cancer-predisposing syndrome. Also called: Hereditary neoplastic syndrome; Neoplastic Syndromes, Hereditary; Tumor predisposition; Hereditary Cancer Syndrome. Identifiers: Orphanet 140162, MedGen C0027672, MeSH D009386, MONDO:0015356.

Submissions (3):

Labcorp Genetics (formerly Invitae), Labcorp
Classification: Likely benign for Hereditary nonpolyposis colorectal neoplasms. Last evaluated: 2025-10-31. Review status: criteria provided, single submitter. Criteria: Invitae Variant Classification Sherloc (09022015). Collection method: clinical testing. Allele origin: germline.

Ambry Genetics
Classification: Likely benign for Hereditary cancer-predisposing syndrome. Last evaluated: 2025-04-01. Review status: criteria provided, single submitter. Criteria: Ambry Variant Classification Scheme 2023. Collection method: clinical testing. Allele origin: germline.

Myriad Genetics, Inc.
Classification: Benign for Lynch syndrome 5. Last evaluated: 2025-01-06. Review status: criteria provided, single submitter. Criteria: Myriad Autosomal Dominant, Autosomal Recessive and X-Linked Classification Criteria (2023). Collection method: clinical testing. Allele origin: unknown.
Comment: This variant is considered benign. This variant is a silent/synonymous amino acid change and it is not expected to impact splicing.